The following is an entry in ClinVar:

ClinVar aggregate classification (germline): Pathogenic (1 of 4 stars; one submission).

Conditions:
Duchenne muscular dystrophy (DMD). Also called: MUSCULAR DYSTROPHY, PSEUDOHYPERTROPHIC PROGRESSIVE, DUCHENNE TYPE; Duchenne Muscular Dystrophy (DMD). Identifiers: Orphanet 98896, MedGen C0013264, MONDO:0010679, OMIM 310200.

Submission:

Labcorp Genetics (formerly Invitae), Labcorp
Classification: Pathogenic for Duchenne muscular dystrophy. Last evaluated: 2021-06-30. Review status: criteria provided, single submitter. Criteria: Invitae Variant Classification Sherloc (09022015). Collection method: clinical testing. Allele origin: germline.
Comment: This variant is an out-of-frame deletion of the genomic region encompassing exons 45-50 of the DMD gene. This creates a premature translational stop signal and is expected to result in an absent or disrupted protein product. Deletion of exons 45-50 has been reported in many individuals affected with Duchenne or Becker muscular dystrophy (PMID: 22090376, 25244321, 22510846, 18752307, 15723292, 9800909, 19449031). Loss-of-function variants in DMD are known to be pathogenic (PMID: 16770791, 25007885). For these reasons, this variant has been classified as Pathogenic.

Literature cited by the submitters: PubMed 22090376; PubMed 25244321; PubMed 22510846; PubMed 18752307; PubMed 15723292; PubMed 9800909; PubMed 19449031; PubMed 16770791; PubMed 25007885.

NC_000023.11:g.(?_31819965)_(31968524_?)del

Genes: DMD (dystrophin; minus strand), LOC129391296 (MPRA-validated peak7373 silencer; plus strand). Cytogenetic location: Xp21.1.
Variant type: Deletion.
Identifiers: ClinVar variation 660139 (VCV000660139.3).